The following is an entry in ClinVar:

NM_001004334.4(GPR179):c.1321A>C (p.Ser441Arg)

Gene: GPR179 (G protein-coupled receptor 179; minus strand). Cytogenetic location: 17q12.
Variant type: single nucleotide variant.
Coding change: c.1321A>C on transcript NM_001004334.4 (MANE Select); coding-DNA position 1321, A replaced by C.
Protein change: p.Ser441Arg; replaces serine 441 with arginine.
Molecular consequence: missense variant.
Genome position (GRCh38, 1-based): chr17:38,335,676, T>G on the plus strand (A>C on the coding strand, the complement: GPR179 is on the minus strand). VCF-style: chr17-38335676-T-G. GRCh37 (hg19) VCF-style: chr17-36491559-T-G.
Other names: short protein forms S441R.
Identifiers: ClinVar variation 2113290 (VCV002113290.5), dbSNP rs778804552, ClinGen allele CA290108905.
Genomic context (GRCh38, chr17:38,335,676, plus strand): 5'-CGTAGACGATGGCAAAACCCAGCAGCCGCACCCAGCGAAGAGCGATGCAGCGGAATACAC[T>G]GGGCTTGAAGTATAGGATGAAGACCTGGTGGGAAGGGGCAAAAATCTCTGCTCTCTACTA-3'
Protein context (NP_001004334.3, residues 431-451): FPVFILYFKP[Ser441Arg]VFRCIALRWV

ClinVar aggregate classification (germline): Uncertain significance. Review status: criteria provided, multiple submitters, no conflicts (2 of 4 stars). 3 submissions from 3 submitters: Uncertain significance (3). Last evaluated 2024-05-29.

Conditions:
Inborn genetic diseases. Identifiers: MedGen C0950123, MeSH D030342.

Allele frequency attached by ClinVar (database versions not stated): ExAC 0.00001; gnomAD 0.00001; TOPMed 0.00001.
gnomAD v4.1: 13 of 1,613,858 alleles (0.00081%); highest among the groups gnomAD compares: Non-Finnish European, 0.001%; no homozygotes.

Submissions (3):

Labcorp Genetics (formerly Invitae), Labcorp
Classification: Uncertain significance. Last evaluated: 2024-05-29. Review status: criteria provided, single submitter. Criteria: Invitae Variant Classification Sherloc (09022015). Collection method: clinical testing. Allele origin: germline.
Comment: This sequence change replaces serine, which is neutral and polar, with arginine, which is basic and polar, at codon 441 of the GPR179 protein (p.Ser441Arg). This variant is present in population databases (rs778804552, gnomAD 0.0009%). This variant has not been reported in the literature in individuals affected with GPR179-related conditions. ClinVar contains an entry for this variant (Variation ID: 2113290). An algorithm developed to predict the effect of missense changes on protein structure and function (PolyPhen-2) suggests that this variant is likely to be disruptive. In summary, the available evidence is currently insufficient to determine the role of this variant in disease. Therefore, it has been classified as a Variant of Uncertain Significance.

Ambry Genetics
Classification: Uncertain significance for Inborn genetic diseases. Last evaluated: 2022-11-10. Review status: criteria provided, single submitter. Criteria: Ambry Variant Classification Scheme 2023. Collection method: clinical testing. Allele origin: germline.

Blueprint Genetics
Classification: Uncertain significance. Last evaluated: 2020-04-20. Review status: criteria provided, single submitter. Criteria: ACMG Guidelines, 2015. Collection method: clinical testing. Allele origin: germline.